The following is an entry in ClinVar:

NM_000264.5(PTCH1):c.2011C>T (p.His671Tyr)

Genes: PTCH1 (patched 1; minus strand), LOC100507346 (uncharacterized LOC100507346; plus strand). Cytogenetic location: 9q22.32.
Variant type: single nucleotide variant.
Coding change: c.2011C>T on transcript NM_000264.5 (MANE Select); coding-DNA position 2011, C replaced by T.
Protein change: p.His671Tyr; replaces histidine 671 with tyrosine.
Molecular consequence: missense variant. On other transcripts: non-coding transcript variant (2).
Genome position (GRCh38, 1-based): chr9:95,468,990, G>A on the plus strand (C>T on the coding strand, the complement: PTCH1 is on the minus strand). VCF-style: chr9-95468990-G-A. GRCh37 (hg19) VCF-style: chr9-98231272-G-A.
Other names: c.2008C>T, p.His670Tyr (NM_001083603.3); c.1558C>T, p.His520Tyr (NM_001083604.3, NM_001083605.3, NM_001083606.3 and 1 more transcripts); c.1813C>T, p.His605Tyr (NM_001083602.3); c.1855C>T, p.His619Tyr (NM_001354918.2); short protein forms H605Y, H619Y, H670Y, H520Y, H671Y.
Identifiers: ClinVar variation 2564348 (VCV002564348.4), dbSNP rs376678753, ClinGen allele CA5138464.

ClinVar aggregate classification (germline): Uncertain significance. Review status: criteria provided, multiple submitters, no conflicts (2 of 4 stars). 2 submissions from 2 submitters: Uncertain significance (2). Last evaluated 2024-06-17.

Conditions:
Gorlin syndrome. Also called: Nevoid Basal Cell Carcinoma Syndrome; Basal cell nevus syndrome. Identifiers: Orphanet 377, MedGen C0004779, MONDO:0007187.
Hereditary cancer-predisposing syndrome. Also called: Neoplastic Syndromes, Hereditary; Hereditary Cancer Syndrome; Tumor predisposition; Hereditary neoplastic syndrome. Identifiers: Orphanet 140162, MedGen C0027672, MeSH D009386, MONDO:0015356.

Allele frequency attached by ClinVar (database versions not stated): ExAC 0.00001; TOPMed 0.00001; ESP Exome Variant Server 0.00008.

Submissions (2):

Labcorp Genetics (formerly Invitae), Labcorp
Classification: Uncertain significance for Gorlin syndrome. Last evaluated: 2024-06-17. Review status: criteria provided, single submitter. Criteria: Invitae Variant Classification Sherloc (09022015). Collection method: clinical testing. Allele origin: germline.
Comment: This sequence change replaces histidine, which is basic and polar, with tyrosine, which is neutral and polar, at codon 671 of the PTCH1 protein (p.His671Tyr). This variant is not present in population databases (gnomAD no frequency). This variant has not been reported in the literature in individuals affected with PTCH1-related conditions. ClinVar contains an entry for this variant (Variation ID: 2564348). Advanced modeling of protein sequence and biophysical properties (such as structural, functional, and spatial information, amino acid conservation, physicochemical variation, residue mobility, and thermodynamic stability) performed at Invitae indicates that this missense variant is not expected to disrupt PTCH1 protein function with a negative predictive value of 95%. In summary, the available evidence is currently insufficient to determine the role of this variant in disease. Therefore, it has been classified as a Variant of Uncertain Significance.

Ambry Genetics
Classification: Uncertain significance for Hereditary cancer-predisposing syndrome. Last evaluated: 2023-03-21. Review status: criteria provided, single submitter. Criteria: Ambry Variant Classification Scheme 2023. Collection method: clinical testing. Allele origin: germline.
Comment: The p.H671Y variant (also known as c.2011C>T), located in coding exon 14 of the PTCH1 gene, results from a C to T substitution at nucleotide position 2011. The histidine at codon 671 is replaced by tyrosine, an amino acid with similar properties. This amino acid position is not well conserved in available vertebrate species. In addition, the in silico prediction for this alteration is inconclusive. Since supporting evidence is limited at this time, the clinical significance of this alteration remains unclear.